The following is an entry in ClinVar:

ClinVar aggregate classification (germline): Conflicting classifications of pathogenicity. Review status: criteria provided, conflicting classifications (1 of 4 stars). 11 submissions from 11 submitters: Uncertain significance (6); Likely benign (2). 3 of the submissions do not count toward it. Last evaluated 2026-06-23.

Conditions:
Hereditary cancer-predisposing syndrome. Also called: Neoplastic Syndromes, Hereditary; Tumor predisposition; Hereditary neoplastic syndrome; Hereditary Cancer Syndrome. Identifiers: Orphanet 140162, MedGen C0027672, MeSH D009386, MONDO:0015356.
Hereditary breast ovarian cancer syndrome. Also called: Hereditary breast and ovarian cancer syndrome (HBOC); Hereditary breast and ovarian cancer syndrome; Breast and ovarian cancer; Hereditary breast and ovarian cancer; Hereditary breast and/or ovarian cancer syndrome; BRCA1- and BRCA2-Associated Hereditary Breast and Ovarian Cancer. Identifiers: Orphanet 145, MedGen C0677776, MeSH D061325, MONDO:0003582. Disease mechanism: loss of function.
Breast-ovarian cancer, familial, susceptibility to, 2 (BROVCA2). Also called: BRCA2 Hereditary Breast and Ovarian Cancer. Identifiers: Orphanet 145, MedGen C2675520, MONDO:0012933, OMIM 612555. Disease mechanism: loss of function.
Familial cancer of breast. Also called: Hereditary breast cancer; BREAST CANCER, FAMILIAL; hereditary breast carcinoma. Identifiers: Orphanet 227535, MedGen C0346153, MONDO:0016419, OMIM 114480. Disease mechanism: loss of function.

Allele frequency attached by ClinVar (database versions not stated): gnomAD 0.00001.
gnomAD v4.1: 2 of 1,614,042 alleles (0.00012%); highest among the groups gnomAD compares: Non-Finnish European, 0.00017%; no homozygotes.

Submissions (11):

Women's Health and Genetics/Laboratory Corporation of America, LabCorp
Classification: Uncertain significance. Last evaluated: 2026-06-23. Review status: criteria provided, single submitter. Criteria: LabCorp Variant Classification Summary - May 2015. Collection method: clinical testing. Allele origin: germline.
Comment: Variant summary: BRCA2 c.8599A>C (p.Thr2867Pro) results in a non-conservative amino acid change located in the Tower domain (PF09121) of the encoded protein sequence. Algorithms developed to predict the effect of missense changes on protein structure and function are either unavailable or do not agree on the potential impact of this missense change. The variant was absent in 251120 control chromosomes. The available data on variant occurrences in the general population are insufficient to allow any conclusion about variant significance. To our knowledge, no occurrence of c.8599A>C in individuals affected with BRCA2-related conditions has been reported. At least one publication reports experimental evidence showing this variant is functional in a mouse embryonic stem cell-based asay (Biswas_2023). The following publication has been ascertained in the context of this evaluation (PMID: 37922907). ClinVar contains an entry for this variant (Variation ID: 52632). Based on the evidence outlined above, the variant was classified as uncertain significance.

Labcorp Genetics (formerly Invitae), Labcorp
Classification: Uncertain significance for Hereditary breast ovarian cancer syndrome. Last evaluated: 2026-01-21. Review status: criteria provided, single submitter. Criteria: Invitae Variant Classification Sherloc (09022015). Collection method: clinical testing. Allele origin: germline.
Comment: This sequence change replaces threonine, which is neutral and polar, with proline, which is neutral and non-polar, at codon 2867 of the BRCA2 protein (p.Thr2867Pro). This variant is present in population databases (rs80359119, gnomAD 0.01%). This variant has not been reported in the literature in individuals affected with BRCA2-related conditions. ClinVar contains an entry for this variant (Variation ID: 52632). Invitae Evidence Modeling of protein sequence and biophysical properties (such as structural, functional, and spatial information, amino acid conservation, physicochemical variation, residue mobility, and thermodynamic stability) indicates that this missense variant is not expected to disrupt BRCA2 protein function with a negative predictive value of 95%. Experimental studies have shown that this missense change does not substantially affect BRCA2 function (PMID: 37922907). In summary, the available evidence is currently insufficient to determine the role of this variant in disease. Therefore, it has been classified as a Variant of Uncertain Significance.

Color Diagnostics, LLC DBA Color Health
Classification: Uncertain significance for Hereditary cancer-predisposing syndrome. Last evaluated: 2025-06-18. Review status: criteria provided, single submitter. Criteria: ACMG Guidelines, 2015. Collection method: clinical testing. Allele origin: germline.
Comment: This missense variant replaces threonine with proline at codon 2867 of the BRCA2 protein. Computational prediction suggests that this variant may not impact protein structure and function. Functional studies have reported that this variant does not impact BRCA2 functions in a haploid cell proliferation assay and in sensitivity assays to cisplatin and PARP inhibitor (PMID: 37922907, 39779848, 39779857). Multifactorial analyses have reported likelihood ratios (LR) reaching a combined LR = 0.5953 based on co-occurrence with a pathogenic variant and personal and family history for one carrier (PMID: 31131967, 31853058). This variant has been identified in 2/31394 chromosomes in the general population by the Genome Aggregation Database (gnomAD). The available evidence is insufficient to determine the role of this variant in disease conclusively. Therefore, this variant is classified as a Variant of Uncertain Significance.

Ambry Genetics
Classification: Likely benign for Hereditary cancer-predisposing syndrome. Last evaluated: 2025-05-15. Review status: criteria provided, single submitter. Criteria: Ambry Variant Classification Scheme 2023. Collection method: clinical testing. Allele origin: germline.

Center for Genomic Medicine, Rigshospitalet, Copenhagen University Hospital
Classification: Uncertain significance. Last evaluated: 2025-03-04. Review status: criteria provided, single submitter. Criteria: ACMG Guidelines, 2015. Collection method: clinical testing. Allele origin: germline.

Myriad Genetics, Inc.
Classification: Likely benign for Breast-ovarian cancer, familial, susceptibility to, 2. Last evaluated: 2024-03-14. Review status: criteria provided, single submitter. Criteria: Myriad Autosomal Dominant, Autosomal Recessive and X-Linked Classification Criteria (2023). Collection method: clinical testing. Allele origin: unknown.
Comment: This variant is considered likely benign. This variant is strongly associated with less severe personal and family histories of cancer, typical for individuals without pathogenic variants in this gene [PMID: 25085752].

Baylor Genetics
Classification: Uncertain significance for Familial cancer of breast. Last evaluated: 2023-11-21. Review status: criteria provided, single submitter. Criteria: ACMG Guidelines, 2015. Collection method: clinical testing. Allele origin: unknown.

Quest Diagnostics Nichols Institute San Juan Capistrano
Classification: Uncertain significance. Last evaluated: 2017-03-02. Review status: criteria provided, single submitter. Criteria: Quest Diagnostics criteria. Collection method: clinical testing. Allele origin: germline.

Counsyl
Classification: Uncertain significance for Breast-ovarian cancer, familial, susceptibility to, 2. Last evaluated: 2017-10-26. Review status: no assertion criteria provided. Collection method: clinical testing. Allele origin: unknown. Not counted in ClinVar's aggregate classification.

Sharing Clinical Reports Project (SCRP)
Classification: Uncertain significance for Breast-ovarian cancer, familial 2. Last evaluated: 2009-09-03. Review status: no assertion criteria provided. Collection method: clinical testing. Allele origin: germline. Not counted in ClinVar's aggregate classification.

Breast Cancer Information Core (BIC) (BRCA2)
Classification: Uncertain significance for Breast-ovarian cancer, familial 2. Review status: no assertion criteria provided. Collection method: clinical testing. Allele origin: germline. Affected: yes. Observed: 1 variant allele. Not counted in ClinVar's aggregate classification.

Literature cited by the submitters: PubMed 37922907 (cited by 3 submitters); PubMed 31131967 (cited by Color Diagnostics, LLC DBA Color Health); PubMed 31853058 (cited by Color Diagnostics, LLC DBA Color Health); PubMed 39779848 (cited by Color Diagnostics, LLC DBA Color Health); PubMed 39779857 (cited by Color Diagnostics, LLC DBA Color Health); PubMed 19043619 (cited by Ambry Genetics and Quest Diagnostics Nichols Institute San Juan Capistrano); PubMed 25085752 (cited by Myriad Genetics, Inc.).

NM_000059.4(BRCA2):c.8599A>C (p.Thr2867Pro)

Gene: BRCA2 (BRCA2 DNA repair associated; plus strand). Cytogenetic location: 13q13.1.
Variant type: single nucleotide variant.
Coding change: c.8599A>C on transcript NM_000059.4 (MANE Select); coding-DNA position 8599, A replaced by C.
Protein change: p.Thr2867Pro; replaces threonine 2867 with proline.
Molecular consequence: missense variant.
Genome position (GRCh38, 1-based): chr13:32,371,067, A>C. VCF-style: chr13-32371067-A-C. GRCh37 (hg19) VCF-style: chr13-32945204-A-C.
Other names: 8827A>C; short protein forms T2867P.
Identifiers: ClinVar variation 52632 (VCV000052632.24), dbSNP rs80359119, ClinGen allele CA025730.
Genomic context (GRCh38, chr13:32,371,067, plus strand): 5'-GAAGAAAAGGAAGCAGCAAAATATGTGGAGGCCCAACAAAAGAGACTAGAAGCCTTATTC[A>C]CTAAAATTCAGGAGGAATTTGAAGAACATGAAGGTAAAATTAGTTATATGGTACACATTG-3'
Protein context (NP_000050.3, residues 2857-2877): AQQKRLEALF[Thr2867Pro]KIQEEFEEHE